The following is an entry in ClinVar:

NM_022041.4(GAN):c.14G>C (p.Ser5Thr)

Genes: GAN (gigaxonin; plus strand), LOC130059498 (ATAC-STARR-seq lymphoblastoid silent region 7753; plus strand). Cytogenetic location: 16q23.2.
Variant type: single nucleotide variant.
Coding change: c.14G>C on transcript NM_022041.4 (MANE Select); coding-DNA position 14, G replaced by C.
Protein change: p.Ser5Thr; replaces serine 5 with threonine.
Molecular consequence: missense variant. On other transcripts: 5 prime UTR variant (1).
Genome position (GRCh38, 1-based): chr16:81,315,127, G>C. VCF-style: chr16-81315127-G-C. GRCh37 (hg19) VCF-style: chr16-81348732-G-C.
Other names: c.-511G>C (NM_001377486.1); short protein forms S5T.
Identifiers: ClinVar variation 1037987 (VCV001037987.9), dbSNP rs768368918, ClinGen allele CA396854304.

ClinVar aggregate classification (germline): Uncertain significance (1 of 4 stars; one submission).

Conditions:
Giant axonal neuropathy 1 (GAN1). Also called: GIANT AXONAL NEUROPATHY 1, AUTOSOMAL RECESSIVE; GAN-Related Neurodegeneration. Identifiers: Orphanet 643, MedGen C1850386, MONDO:0009749, OMIM 256850.

Allele frequency attached by ClinVar (database versions not stated): gnomAD exomes 0.00001.
gnomAD v4.1: 2 of 1,519,456 alleles (0.00013%); highest among the groups gnomAD compares: Admixed American, 0.0021%; no homozygotes.

Submission:

Labcorp Genetics (formerly Invitae), Labcorp
Classification: Uncertain significance for Giant axonal neuropathy 1. Last evaluated: 2020-10-08. Review status: criteria provided, single submitter. Criteria: Invitae Variant Classification Sherloc (09022015). Collection method: clinical testing. Allele origin: germline.
Comment: This sequence change replaces serine with threonine at codon 5 of the GAN protein (p.Ser5Thr). The serine residue is moderately conserved and there is a small physicochemical difference between serine and threonine. The frequency data for this variant in the population databases is considered unreliable, as metrics indicate insufficient coverage at this position in the ExAC database. This variant has not been reported in the literature in individuals with GAN-related conditions. Algorithms developed to predict the effect of missense changes on protein structure and function (SIFT, PolyPhen-2, Align-GVGD) all suggest that this variant is likely to be tolerated, but these predictions have not been confirmed by published functional studies and their clinical significance is uncertain. In summary, the available evidence is currently insufficient to determine the role of this variant in disease. Therefore, it has been classified as a Variant of Uncertain Significance.